The following is an entry in ClinVar:

ClinVar aggregate classification (germline): Conflicting classifications of pathogenicity. Review status: criteria provided, conflicting classifications (1 of 4 stars). 5 submissions from 5 submitters: Uncertain significance (2); Benign (1); Likely benign (2). Last evaluated 2025-11-24.

Conditions:
Classic or attenuated familial adenomatous polyposis. Identifiers: MedGen CN372698, MONDO:0021057.
Hereditary cancer-predisposing syndrome. Also called: Hereditary neoplastic syndrome; Neoplastic Syndromes, Hereditary; Tumor predisposition; Hereditary Cancer Syndrome. Identifiers: Orphanet 140162, MedGen C0027672, MeSH D009386, MONDO:0015356.
Familial adenomatous polyposis 1 (FAP1). Also called: FAMILIAL ADENOMATOUS POLYPOSIS 1, ATTENUATED; POLYPOSIS, ADENOMATOUS INTESTINAL. Identifiers: MedGen C2713442, MONDO:0021056, OMIM 175100. Disease mechanism: loss of function.

Allele frequency attached by ClinVar (database versions not stated): TOPMed below 0.00001; ExAC 0.00001; gnomAD 0.00001; gnomAD exomes 0.00001.
gnomAD v4.1: 5 of 1,614,134 alleles (0.00031%); highest among the groups gnomAD compares: South Asian, 0.0011%; no homozygotes.

Submissions (5):

Labcorp Genetics (formerly Invitae), Labcorp
Classification: Likely benign for Familial adenomatous polyposis 1. Last evaluated: 2025-11-24. Review status: criteria provided, single submitter. Criteria: Invitae Variant Classification Sherloc (09022015). Collection method: clinical testing. Allele origin: germline.

All of Us Research Program, National Institutes of Health
Classification: Uncertain significance for Classic or attenuated familial adenomatous polyposis. Last evaluated: 2024-05-14. Review status: criteria provided, single submitter. Criteria: ACMG Guidelines, 2015. Collection method: clinical testing. Allele origin: germline. Inheritance: Autosomal dominant inheritance. Observed: 2 variant alleles, 2 heterozygotes.
Comment: This missense variant replaces isoleucine with valine at codon 1304 of the APC protein. Computational prediction suggests that this variant may not impact protein structure and function (internally defined REVEL score threshold <= 0.5, PMID: 27666373). To our knowledge, functional studies have not been reported for this variant. This variant has been reported in individuals affected with familial juvenile polyposis (PMID: 9382065) and an individual affected with familial adenomatous polyposis (FAP) who also has a 5-bp deletion at codon 1309 (PMID: 1316610). This variant has been identified in 3/251002 chromosomes in the general population by the Genome Aggregation Database (gnomAD). The available evidence is insufficient to determine the role of this variant in disease conclusively. Therefore, this variant is classified as a Variant of Uncertain Significance.

This study involves interpretation of variants in research participants for the purpose of population health screening. Participant phenotype was not available at the time of variant classification. Additional details can be found in publication PMID: 35346344, PMCID: PMC8962531

Color Diagnostics, LLC DBA Color Health
Classification: Uncertain significance for Hereditary cancer-predisposing syndrome. Last evaluated: 2024-04-17. Review status: criteria provided, single submitter. Criteria: ACMG Guidelines, 2015. Collection method: clinical testing. Allele origin: germline.
Comment: This missense variant replaces isoleucine with valine at codon 1304 of the APC protein. Computational prediction suggests that this variant may not impact protein structure and function (internally defined REVEL score threshold <= 0.5, PMID: 27666373). To our knowledge, functional studies have not been reported for this variant. This variant has been reported in individuals affected with familial juvenile polyposis (PMID: 9382065) and an individual affected with familial adenomatous polyposis (FAP) who also has a 5-bp deletion at codon 1309 (PMID: 1316610). This variant has been identified in 3/251002 chromosomes in the general population by the Genome Aggregation Database (gnomAD). The available evidence is insufficient to determine the role of this variant in disease conclusively. Therefore, this variant is classified as a Variant of Uncertain Significance.

Mendelics
Classification: Benign for Familial adenomatous polyposis 1. Last evaluated: 2019-05-28. Review status: criteria provided, single submitter. Criteria: Mendelics Assertion Criteria 2017. Collection method: clinical testing. Allele origin: unknown.

Ambry Genetics
Classification: Likely benign for Hereditary cancer-predisposing syndrome. Last evaluated: 2014-09-09. Review status: criteria provided, single submitter. Criteria: Ambry Variant Classification Scheme 2023. Collection method: clinical testing. Allele origin: germline.

Literature cited by the submitters: PubMed 1316610 (cited by All of Us Research Program, National Institutes of Health and Color Diagnostics, LLC DBA Color Health); PubMed 9382065 (cited by All of Us Research Program, National Institutes of Health and Color Diagnostics, LLC DBA Color Health).

NM_000038.6(APC):c.3910A>G (p.Ile1304Val)

Gene: APC (APC regulator of Wnt signaling pathway; plus strand). Cytogenetic location: 5q22.2.
Variant type: single nucleotide variant.
Coding change: c.3910A>G on transcript NM_000038.6 (MANE Select); coding-DNA position 3910, A replaced by G.
Protein change: p.Ile1304Val; replaces isoleucine 1304 with valine.
Molecular consequence: missense variant.
Genome position (GRCh38, 1-based): chr5:112,839,504, A>G. VCF-style: chr5-112839504-A-G. GRCh37 (hg19) VCF-style: chr5-112175201-A-G.
Other names: c.3910A>G, p.Ile1304Val (NM_001127510.3, NM_001354895.2); c.3856A>G, p.Ile1286Val (NM_001127511.3); c.3964A>G, p.Ile1322Val (NM_001354896.2); c.3940A>G, p.Ile1314Val (NM_001354897.2); c.3835A>G, p.Ile1279Val (NM_001354898.2); c.3826A>G, p.Ile1276Val (NM_001354899.2); c.3787A>G, p.Ile1263Val (NM_001354900.2); c.3733A>G, p.Ile1245Val (NM_001354901.2); and 5 more; short protein forms I1286V, I1304V, I1178V, I1203V, I1213V, I1276V, I1279V, I1314V.
Identifiers: ClinVar variation 186133 (VCV000186133.23), dbSNP rs770157475, ClinGen allele CA008754.
Genomic context (GRCh38, chr5:112,839,504, plus strand): 5'-GAAGATGAAATAGGATGTAATCAGACGACACAGGAAGCAGATTCTGCTAATACCCTGCAA[A>G]TAGCAGAAATAAAAGAAAAGATTGGAACTAGGTCAGCTGAAGATCCTGTGAGCGAAGTTC-3'
Protein context (NP_000029.2, residues 1294-1314): QEADSANTLQ[Ile1304Val]AEIKEKIGTR